The following is an entry in ClinVar:

ClinVar aggregate classification (germline): Benign. Review status: criteria provided, multiple submitters, no conflicts (2 of 4 stars). 2 submissions from 2 submitters: Benign (2). Last evaluated 2018-06-14.

Allele frequency attached by ClinVar (database versions not stated): 1000 Genomes Project 30x 0.37320; 1000 Genomes Project 0.38039; TOPMed 0.42730; gnomAD 0.44862.
gnomAD v4.1: 68,961 of 151,786 alleles (45%); highest among the groups gnomAD compares: Non-Finnish European, 62%; 19,226 homozygotes.

Submissions (2):

GeneDx
Classification: Benign. Last evaluated: 2018-06-14. Review status: criteria provided, single submitter. Criteria: GeneDx Variant Classification (06012015). Collection method: clinical testing. Allele origin: germline. Affected: yes.
Comment: This variant is considered likely benign or benign based on one or more of the following criteria: it is a conservative change, it occurs at a poorly conserved position in the protein, it is predicted to be benign by multiple in silico algorithms, and/or has population frequency not consistent with disease.

Breakthrough Genomics
Classification: Benign. Review status: criteria provided, single submitter. Criteria: ACMG Guidelines, 2015. Collection method: not provided. Allele origin: germline. Inheritance: Autosomal dominant inheritance. Affected: yes.

NM_001042492.3(NF1):c.5813-516G>T

Gene: NF1 (neurofibromin 1; plus strand). Cytogenetic location: 17q11.2.
Variant type: single nucleotide variant.
Coding change: c.5813-516G>T on transcript NM_001042492.3 (MANE Select); 516 bases into the intron before coding-DNA position 5813, G replaced by T.
Molecular consequence: intron variant.
Genome position (GRCh38, 1-based): chr17:31,334,322, G>T. VCF-style: chr17-31334322-G-T. GRCh37 (hg19) VCF-style: chr17-29661340-G-T.
Other names: c.5750-516G>T (NM_000267.4).
Identifiers: ClinVar variation 561766 (VCV000561766.2), dbSNP rs10445402, ClinGen allele CA14447464.